The following is an entry in ClinVar:

ClinVar aggregate classification (germline): Uncertain significance (1 of 4 stars; one submission).

Submission:

Dasa
Classification: Uncertain significance. Last evaluated: 2025-10-30. Review status: criteria provided, single submitter. Criteria: DASA Assertion Criteria. Collection method: clinical testing. Allele origin: germline.
Comment: NM_005994.4(TBX2):c.1740_1748dup (p.Ala585_Ala587dup) is an in-frame duplication predicted to duplicate amino acids from alanine at protein position 585 through alanine at protein position 587 without shifting the reading frame. This variant is absent from population databases. The currently available literature and clinical evidence are not sufficient to establish a definitive association between this variant and the reported condition. Therefore, this variant is classified as a variant of uncertain significance.

NM_005994.4(TBX2):c.1740_1748dup (p.Ala587_Ser588insAlaAlaAla)

Gene: TBX2 (T-box transcription factor 2; plus strand). Cytogenetic location: 17q23.2.
Variant type: Duplication.
Coding change: c.1740_1748dup on transcript NM_005994.4 (MANE Select); coding-DNA positions 1740 to 1748, 9 bases duplicated (GGCAGCAGC; older notation c.1740_1748dupGGCAGCAGC).
Protein change: p.Ala587_Ser588insAlaAlaAla.
Molecular consequence: inframe insertion.
Genome position (GRCh38, 1-based): chr17:61,408,107-61,408,115, GGCAGCAGC duplicated. VCF-style (leftmost placement, unchanged base first): chr17-61408106-T-TGGCAGCAGC. GRCh37 (hg19) VCF-style: chr17-59485467-T-TGGCAGCAGC.
Identifiers: ClinVar variation 4886364 (VCV004886364.2).